The following is an entry in ClinVar:

NM_001364905.1(LRBA):c.4729+1G>C

Gene: LRBA (LPS responsive beige-like anchor protein; minus strand). Cytogenetic location: 4q31.3.
Variant type: single nucleotide variant.
Coding change: c.4729+1G>C on transcript NM_001364905.1 (MANE Select); the canonical splice donor site of the intron after coding-DNA position 4729, G replaced by C.
Molecular consequence: splice donor variant.
Genome position (GRCh38, 1-based): chr4:150,831,816, C>G on the plus strand (G>C on the coding strand, the complement: LRBA is on the minus strand). VCF-style: chr4-150831816-C-G. GRCh37 (hg19) VCF-style: chr4-151752968-C-G.
Other names: c.4729+1G>C (NM_001367550.1, NM_006726.5, NM_001199282.3 and 2 more transcripts).
Identifiers: ClinVar variation 3384670 (VCV003384670.2).

ClinVar aggregate classification (germline): Pathogenic (0 of 4 stars; one submission).

Conditions:
Combined immunodeficiency due to LRBA deficiency. Also called: Common variable immunodeficiency 8, with autoimmunity. Identifiers: Orphanet 445018, MedGen C3553512, MONDO:0013863, OMIM 614700.

gnomAD v4.1: 3 of 1,581,600 alleles (0.00019%); highest among the groups gnomAD compares: Non-Finnish European, 0.00026%; no homozygotes.

Submission:

National Institute of Immunohaematology, Indian Council of Medical Research
Classification: Pathogenic for Combined immunodeficiency due to LRBA deficiency. Review status: no assertion criteria provided. Collection method: research. Allele origin: germline. Inheritance: Autosomal recessive inheritance. Affected: yes. Observed: 1 homozygote.
Comment: The variant identified in this patient affects the invariant GT donor splice site downstream of exon 29 . This variant has not been reported in the 1000 genomes, gnomAD. Insilico silico prediction of the variant is damaging The reference base is conserved across species.

Literature cited by the submitters: PubMed 22608502.